The following is an entry in ClinVar:

ClinVar aggregate classification (germline): Conflicting classifications of pathogenicity. Review status: criteria provided, conflicting classifications (1 of 4 stars). 5 submissions from 5 submitters: Uncertain significance (1); Likely benign (4). Last evaluated 2026-01-25.

Conditions:
Usher syndrome type 1 (USH1). Also called: RETINITIS PIGMENTOSA AND CONGENITAL DEAFNESS. Identifiers: Orphanet 231169, Orphanet 886, MedGen C1568247, MONDO:0010168, OMIM 276900.
Usher syndrome type 1F (USH1F). Also called: USHER SYNDROME, TYPE IF. Identifiers: Orphanet 231169, Orphanet 886, MedGen C1865885, MONDO:0011186, OMIM 602083.

Allele frequency attached by ClinVar (database versions not stated): gnomAD 0.00014; 1000 Genomes Project 0.00020; TOPMed 0.00020; ESP Exome Variant Server 0.00031; gnomAD exomes 0.00013; 1000 Genomes Project 30x 0.00016; ExAC 0.00020.
gnomAD v4.1: 217 of 1,612,250 alleles (0.013%); highest among the groups gnomAD compares: Middle Eastern, 0.12%; no homozygotes.

Submissions (5):

Labcorp Genetics (formerly Invitae), Labcorp
Classification: Likely benign. Last evaluated: 2026-01-25. Review status: criteria provided, single submitter. Criteria: Invitae Variant Classification Sherloc (09022015). Collection method: clinical testing. Allele origin: germline.

Blueprint Genetics
Classification: Likely benign. Last evaluated: 2024-06-27. Review status: criteria provided, single submitter. Criteria: ACMG Guidelines, 2015. Collection method: clinical testing. Allele origin: germline.

Genome-Nilou Lab
Classification: Likely benign for Usher syndrome type 1F. Last evaluated: 2021-05-18. Review status: criteria provided, single submitter. Criteria: ACMG Guidelines, 2015. Collection method: clinical testing. Allele origin: germline. Affected: no.

Illumina Laboratory Services, Illumina
Classification: Uncertain significance for Usher syndrome type 1. Last evaluated: 2018-01-12. Review status: criteria provided, single submitter. Criteria: ICSL Variant Classification Criteria 13 December 2019. Collection method: clinical testing. Allele origin: germline.

Laboratory for Molecular Medicine, Mass General Brigham Personalized Medicine
Classification: Likely benign. Last evaluated: 2012-04-30. Review status: criteria provided, single submitter. Criteria: LMM Criteria. Collection method: clinical testing. Allele origin: germline. Observed: 2 variant alleles.
Comment: Pro1813Pro in Exon 33 of PCDH15: This variant is not expected to have clinical s ignificance because it does not alter an amino acid residue, is not located with in the splice consensus sequence, and has been identified in 3/7018 European Ame rican chromosomes from a broad population by the NHLBI Exome Sequencing Project (dbSNP rs150303579).

NM_033056.4(PCDH15):c.5439A>C (p.Pro1813=)

Gene: PCDH15 (protocadherin related 15; minus strand). Cytogenetic location: 10q21.1.
Variant type: single nucleotide variant.
Coding change: c.5439A>C on transcript NM_033056.4 (MANE Plus Clinical); coding-DNA position 5439, A replaced by C.
Protein change: p.Pro1813=; no amino-acid change (proline 1813 retained).
Molecular consequence: synonymous variant. On other transcripts: intron variant (8).
Genome position (GRCh38, 1-based): chr10:53,822,287, T>G on the plus strand (A>C on the coding strand, the complement: PCDH15 is on the minus strand). VCF-style: chr10-53822287-T-G. GRCh37 (hg19) VCF-style: chr10-55582047-T-G.
Other names: c.5460A>C, p.Pro1820= (NM_001142763.2); c.5445A>C, p.Pro1815= (NM_001142764.2); c.5232A>C, p.Pro1744= (NM_001142765.2); c.5430A>C, p.Pro1810= (NM_001142766.2); c.5319A>C, p.Pro1773= (NM_001142767.2); c.5379A>C, p.Pro1793= (NM_001142768.2); c.5370A>C, p.Pro1790= (NM_001142773.2); c.5373A>C, p.Pro1791= (NM_001354404.2); and 7 more.
Identifiers: ClinVar variation 164893 (VCV000164893.23), dbSNP rs150303579, ClinGen allele CA177575.